The following is an entry in ClinVar:

NM_014324.6(AMACR):c.976dup (p.Arg326fs)

Genes: C1QTNF3-AMACR (C1QTNF3-AMACR readthrough (NMD candidate); minus strand), AMACR (alpha-methylacyl-CoA racemase; minus strand). Cytogenetic location: 5p13.2.
Variant type: Duplication.
Coding change: c.976dup on transcript NM_014324.6 (MANE Select); coding-DNA position 976, one base duplicated (C; older notation c.976dupC).
Protein change: p.Arg326fs; shifts the reading frame from arginine 326.
Molecular consequence: frameshift variant. On other transcripts: non-coding transcript variant (1), 3 prime UTR variant (1).
Genome position (GRCh38, 1-based): chr5:33,989,266, G duplicated on the plus strand (C on the coding strand, the reverse complement: AMACR is on the minus strand); the first of 5 consecutive G bases (chr5:33,989,266-33,989,270); duplicating any one gives the same sequence. VCF-style (leftmost placement, unchanged base first): chr5-33989265-C-CG. GRCh37 (hg19) VCF-style: chr5-33989370-C-CG.
Other names: c.976dup, p.Arg326fs (NM_001167595.2); c.*218dup (NM_203382.3); short protein forms R326fs.
Identifiers: ClinVar variation 1485160 (VCV001485160.6), dbSNP rs1266524888, ClinGen allele CA2573139658.

ClinVar aggregate classification (germline): Uncertain significance (1 of 4 stars; one submission).

Conditions:
Alpha-methylacyl-CoA racemase deficiency (AMACRD). Also called: AMACR deficiency. Identifiers: Orphanet 79095, MedGen C3280428, MONDO:0013681, OMIM 614307. Disease mechanism: loss of function.

Submission:

Labcorp Genetics (formerly Invitae), Labcorp
Classification: Uncertain significance for Alpha-methylacyl-CoA racemase deficiency. Last evaluated: 2023-11-27. Review status: criteria provided, single submitter. Criteria: Invitae Variant Classification Sherloc (09022015). Collection method: clinical testing. Allele origin: germline.
Comment: This sequence change creates a premature translational stop signal (p.Arg326Profs*26) in the AMACR gene. While this is not anticipated to result in nonsense mediated decay, it is expected to disrupt the last 57 amino acid(s) of the AMACR protein. This variant is not present in population databases (gnomAD no frequency). This variant has not been reported in the literature in individuals affected with AMACR-related conditions. ClinVar contains an entry for this variant (Variation ID: 1485160). Experimental studies and prediction algorithms are not available or were not evaluated, and the functional significance of this variant is currently unknown. In summary, the available evidence is currently insufficient to determine the role of this variant in disease. Therefore, it has been classified as a Variant of Uncertain Significance.